The following is an entry in ClinVar:

ClinVar aggregate classification (germline): Uncertain significance (1 of 4 stars; one submission).

Allele frequency attached by ClinVar (database versions not stated): TOPMed 0.00002; gnomAD 0.00003; gnomAD exomes 0.00005; ExAC 0.00013.
gnomAD v4.1: 68 of 1,356,962 alleles (0.005%); highest among the groups gnomAD compares: South Asian, 0.054%; 1 homozygote.

Submission:

Labcorp Genetics (formerly Invitae), Labcorp
Classification: Uncertain significance. Last evaluated: 2024-06-17. Review status: criteria provided, single submitter. Criteria: Invitae Variant Classification Sherloc (09022015). Collection method: clinical testing. Allele origin: germline.
Comment: This sequence change falls in intron 7 of the TMTC3 gene. It does not directly change the encoded amino acid sequence of the TMTC3 protein. It affects a nucleotide within the consensus splice site. The frequency data for this variant in the population databases is considered unreliable, as metrics indicate poor data quality at this position in the gnomAD database. This variant has not been reported in the literature in individuals affected with TMTC3-related conditions. ClinVar contains an entry for this variant (Variation ID: 1947125). Variants that disrupt the consensus splice site are a relatively common cause of aberrant splicing (PMID: 17576681, 9536098). Algorithms developed to predict the effect of sequence changes on RNA splicing suggest that this variant is not likely to affect RNA splicing. In summary, the available evidence is currently insufficient to determine the role of this variant in disease. Therefore, it has been classified as a Variant of Uncertain Significance.

Literature cited by the submitters: PubMed 17576681; PubMed 9536098.

NM_181783.4(TMTC3):c.1051-3T>C

Gene: TMTC3 (transmembrane O-mannosyltransferase targeting cadherins 3; plus strand). Cytogenetic location: 12q21.32.
Variant type: single nucleotide variant.
Coding change: c.1051-3T>C on transcript NM_181783.4 (MANE Select); 3 bases into the intron before coding-DNA position 1051, T replaced by C.
Molecular consequence: intron variant.
Genome position (GRCh38, 1-based): chr12:88,172,594, T>C. VCF-style: chr12-88172594-T-C. GRCh37 (hg19) VCF-style: chr12-88566371-T-C.
Other names: c.832-3T>C (NM_001366579.1); c.871-3T>C (NM_001366574.1); c.784-3T>C (NM_001366580.1); c.358-3T>C (NM_001366583.1).
Identifiers: ClinVar variation 1947125 (VCV001947125.5), dbSNP rs762866754, ClinGen allele CA6713199.